The following is an entry in ClinVar:

ClinVar aggregate classification (germline): Uncertain significance (1 of 4 stars; one submission).

gnomAD v4.1: 3 of 1,613,976 alleles (0.00019%); highest among the groups gnomAD compares: Admixed American, 0.0017%; no homozygotes.

Submission:

Labcorp Genetics (formerly Invitae), Labcorp
Classification: Uncertain significance. Last evaluated: 2025-07-04. Review status: criteria provided, single submitter. Criteria: Invitae Variant Classification Sherloc (09022015). Collection method: clinical testing. Allele origin: germline.
Comment: This sequence change replaces glutamine, which is neutral and polar, with lysine, which is basic and polar, at codon 50 of the SLC25A4 protein (p.Gln50Lys). This variant is present in population databases (no rsID available, gnomAD 0.003%). This variant has not been reported in the literature in individuals affected with SLC25A4-related conditions. Invitae Evidence Modeling of protein sequence and biophysical properties (such as structural, functional, and spatial information, amino acid conservation, physicochemical variation, residue mobility, and thermodynamic stability) indicates that this missense variant is not expected to disrupt SLC25A4 protein function with a negative predictive value of 80%. In summary, the available evidence is currently insufficient to determine the role of this variant in disease. Therefore, it has been classified as a Variant of Uncertain Significance.

NM_001151.4(SLC25A4):c.148C>A (p.Gln50Lys)

Gene: SLC25A4 (solute carrier family 25 member 4; plus strand). Cytogenetic location: 4q35.1.
Variant type: single nucleotide variant.
Coding change: c.148C>A on transcript NM_001151.4 (MANE Select); coding-DNA position 148, C replaced by A.
Protein change: p.Gln50Lys; replaces glutamine 50 with lysine.
Molecular consequence: missense variant.
Genome position (GRCh38, 1-based): chr4:185,144,800, C>A. VCF-style: chr4-185144800-C-A. GRCh37 (hg19) VCF-style: chr4-186065954-C-A.
Other names: short protein forms Q50K.
Identifiers: ClinVar variation 4760571 (VCV004760571.1).